The following is an entry in ClinVar:

NM_182641.4(BPTF):c.2376T>C (p.Pro792=)

Gene: BPTF (bromodomain PHD finger transcription factor; plus strand). Cytogenetic location: 17q24.2.
Variant type: single nucleotide variant.
Coding change: c.2376T>C on transcript NM_182641.4 (MANE Select); coding-DNA position 2376, T replaced by C.
Protein change: p.Pro792=; no amino-acid change (proline 792 retained).
Molecular consequence: synonymous variant.
Genome position (GRCh38, 1-based): chr17:67,893,690, T>C. VCF-style: chr17-67893690-T-C. GRCh37 (hg19) VCF-style: chr17-65889806-T-C.
Other names: c.2376T>C (NM_182641.3); c.2754T>C, p.Pro918= (NM_004459.7).
Identifiers: ClinVar variation 2648128 (VCV002648128.26), dbSNP rs185286027, ClinGen allele CA8725426.

ClinVar aggregate classification (germline): Benign/Likely benign. Review status: criteria provided, multiple submitters, no conflicts (2 of 4 stars). 3 submissions from 3 submitters: Benign (1); Likely benign (1). 1 of the submissions does not count toward it. Last evaluated 2024-10-14.

Conditions:
BPTF-related disorder. Also called: BPTF-related condition.

Allele frequency attached by ClinVar (database versions not stated): gnomAD exomes 0.00022; gnomAD 0.00046; TOPMed 0.00051; 1000 Genomes Project 30x 0.00312; 1000 Genomes Project 0.00359.
gnomAD v4.1: 492 of 1,609,092 alleles (0.031%); highest among the groups gnomAD compares: East Asian, 0.76%; 5 homozygotes.

Submissions (3):

Blueprint Genetics
Classification: Likely benign. Last evaluated: 2024-10-14. Review status: criteria provided, single submitter. Criteria: ACMG Guidelines, 2015. Collection method: clinical testing. Allele origin: germline.

CeGaT Center for Human Genetics Tuebingen
Classification: Benign. Last evaluated: 2023-09-01. Review status: criteria provided, single submitter. Criteria: CeGaT Center For Human Genetics Tuebingen Variant Classification Criteria Version 2. Collection method: clinical testing. Allele origin: germline. Affected: yes. Observed: 1 variant allele.
Comment: BPTF: BP4, BP7, BS1, BS2

PreventionGenetics, part of Exact Sciences
Classification: Likely benign for BPTF-related condition. Last evaluated: 2019-10-22. Review status: no assertion criteria provided. Collection method: clinical testing. Allele origin: germline. Not counted in ClinVar's aggregate classification.
Comment: This variant is classified as likely benign based on ACMG/AMP sequence variant interpretation guidelines (Richards et al. 2015 PMID: 25741868, with internal and published modifications).